The following is an entry in ClinVar:

NM_030662.4(MAP2K2):c.528+242T>G

Gene: MAP2K2 (mitogen-activated protein kinase kinase 2; minus strand). Cytogenetic location: 19p13.3.
Variant type: single nucleotide variant.
Coding change: c.528+242T>G on transcript NM_030662.4 (MANE Select); 242 bases into the intron after coding-DNA position 528, T replaced by G.
Molecular consequence: intron variant.
Genome position (GRCh38, 1-based): chr19:4,102,134, A>C on the plus strand (T>G on the coding strand, the complement: MAP2K2 is on the minus strand). VCF-style: chr19-4102134-A-C. GRCh37 (hg19) VCF-style: chr19-4102132-A-C.
Identifiers: ClinVar variation 561536 (VCV000561536.1), dbSNP rs12610112, ClinGen allele CA14652264.
Genomic context (GRCh38, chr19:4,102,134, plus strand): 5'-CGTGCCAGCTGCCAACATCCCCCTGCCACGAGGGGCAGAGGGGACCAGTGTGGCAAACAG[A>C]GGATACTAAGAGTGAAGAGGGACCTATAACGTCTTCACTTGGCAGATGGTGACCTCAGGC-3'

ClinVar aggregate classification (germline): Benign (1 of 4 stars; one submission).

Allele frequency attached by ClinVar (database versions not stated): 1000 Genomes Project 0.33007; 1000 Genomes Project 30x 0.33526; gnomAD 0.35683; TOPMed 0.36674.
gnomAD v4.1: 55,387 of 152,018 alleles (36%); highest among the groups gnomAD compares: African/African-American, 44%; 10,579 homozygotes.

Submission:

GeneDx
Classification: Benign. Last evaluated: 2018-06-14. Review status: criteria provided, single submitter. Criteria: GeneDx Variant Classification (06012015). Collection method: clinical testing. Allele origin: germline. Affected: yes.
Comment: This variant is considered likely benign or benign based on one or more of the following criteria: it is a conservative change, it occurs at a poorly conserved position in the protein, it is predicted to be benign by multiple in silico algorithms, and/or has population frequency not consistent with disease.